The following is an entry in ClinVar:

NM_003754.3(EIF3F):c.225C>A (p.Pro75=)

Gene: EIF3F (eukaryotic translation initiation factor 3 subunit F; plus strand). Cytogenetic location: 11p15.4.
Variant type: single nucleotide variant.
Coding change: c.225C>A on transcript NM_003754.3 (MANE Select); coding-DNA position 225, C replaced by A.
Protein change: p.Pro75=; no amino-acid change (proline 75 retained).
Molecular consequence: synonymous variant.
Genome position (GRCh38, 1-based): chr11:7,987,577, C>A. VCF-style: chr11-7987577-C-A. GRCh37 (hg19) VCF-style: chr11-8009124-C-A.
Identifiers: ClinVar variation 3039652 (VCV003039652.3), dbSNP rs375415343, ClinGen allele CA5870454.
Genomic context (GRCh38, chr11:7,987,577, plus strand): 5'-AACTGCGGCTCCTGGCCAGACCCCGGCCTCAGCGCAAGCTCCAGCGCAGACCCCAGCGCC[C>A]GCTCTGCCTGGTCCTGCTCTTCCAGGGCCCTTCCCCGGCGGCCGCGTGGTCAGGCTGCAC-3'
Protein context (NP_003745.1, residues 65-85): SAQAPAQTPA[Pro75=]ALPGPALPGP

ClinVar aggregate classification (germline): Likely benign. Review status: criteria provided, single submitter (1 of 4 stars). 2 submissions from 2 submitters: Likely benign (1). 1 of the submissions does not count toward it. Last evaluated 2024-08-28.

Conditions:
EIF3F-related disorder. Also called: EIF3F-related condition.

Allele frequency attached by ClinVar (database versions not stated): ExAC 0.00038; ESP Exome Variant Server 0.00050; 1000 Genomes Project 0.00060; 1000 Genomes Project 30x 0.00062; gnomAD 0.00109.
gnomAD v4.1: 367 of 1,597,102 alleles (0.023%); highest among the groups gnomAD compares: African/African-American, 0.43%; 1 homozygote.

Submissions (2):

Blueprint Genetics
Classification: Likely benign. Last evaluated: 2024-08-28. Review status: criteria provided, single submitter. Criteria: ACMG Guidelines, 2015. Collection method: clinical testing. Allele origin: germline.

PreventionGenetics, part of Exact Sciences
Classification: Likely benign for EIF3F-related condition. Last evaluated: 2019-05-20. Review status: no assertion criteria provided. Collection method: clinical testing. Allele origin: germline. Not counted in ClinVar's aggregate classification.
Comment: This variant is classified as likely benign based on ACMG/AMP sequence variant interpretation guidelines (Richards et al. 2015 PMID: 25741868, with internal and published modifications).